The following is an entry in ClinVar:

NM_001927.4(DES):c.1298C>T (p.Pro433Leu)

Gene: DES (desmin; plus strand). Cytogenetic location: 2q35.
Variant type: single nucleotide variant.
Coding change: c.1298C>T on transcript NM_001927.4 (MANE Select); coding-DNA position 1298, C replaced by T.
Protein change: p.Pro433Leu; replaces proline 433 with leucine.
Molecular consequence: missense variant.
Genome position (GRCh38, 1-based): chr2:219,425,672, C>T. VCF-style: chr2-219425672-C-T. GRCh37 (hg19) VCF-style: chr2-220290394-C-T.
Other names: c.1295C>T, p.Pro432Leu (NM_001382708.1); c.866C>T, p.Pro289Leu (NM_001382709.1); c.1229C>T, p.Pro410Leu (NM_001382710.1); c.1277C>T, p.Pro426Leu (NM_001382711.1); c.1298C>T, p.Pro433Leu (NM_001382712.1); c.1028C>T, p.Pro343Leu (NM_001382713.1); short protein forms P289L, P432L, P410L, P343L, P433L, P426L.
Identifiers: ClinVar variation 2135817 (VCV002135817.4), dbSNP rs2545263555, ClinGen allele CA350698335.

ClinVar aggregate classification (germline): Uncertain significance (1 of 4 stars; one submission).

Conditions:
Desmin-related myofibrillar myopathy (MFM1). Also called: Myofibrillar myopathy 1; Desminopathy; Desmin related myopathy (former name); Desmin storage myopathy (former name); MYOFIBRILLAR MYOPATHY WITH ARRHYTHMOGENIC RIGHT VENTRICULAR CARDIOMYOPATHY; DESMIN-RELATED MYOPATHY WITH ARRHYTHMOGENIC RIGHT VENTRICULAR CARDIOMYOPATHY. Identifiers: Orphanet 363543, Orphanet 98909, MedGen C1832370, MONDO:0011076, OMIM 601419.

Submission:

Labcorp Genetics (formerly Invitae), Labcorp
Classification: Uncertain significance for Desmin-related myofibrillar myopathy. Last evaluated: 2024-04-15. Review status: criteria provided, single submitter. Criteria: Invitae Variant Classification Sherloc (09022015). Collection method: clinical testing. Allele origin: germline.
Comment: This sequence change replaces proline, which is neutral and non-polar, with leucine, which is neutral and non-polar, at codon 433 of the DES protein (p.Pro433Leu). This variant is not present in population databases (gnomAD no frequency). This variant has not been reported in the literature in individuals affected with DES-related conditions. ClinVar contains an entry for this variant (Variation ID: 2135817). Advanced modeling of protein sequence and biophysical properties (such as structural, functional, and spatial information, amino acid conservation, physicochemical variation, residue mobility, and thermodynamic stability) has been performed at Invitae for this missense variant, however the output from this modeling did not meet the statistical confidence thresholds required to predict the impact of this variant on DES protein function. In summary, the available evidence is currently insufficient to determine the role of this variant in disease. Therefore, it has been classified as a Variant of Uncertain Significance.